The following is an entry in ClinVar:

NM_000397.4(CYBB):c.12G>A (p.Trp4Ter)

Gene: CYBB (cytochrome b-245 beta chain; plus strand). Cytogenetic location: Xp21.1.
Variant type: single nucleotide variant.
Coding change: c.12G>A on transcript NM_000397.4 (MANE Select); coding-DNA position 12, G replaced by A.
Protein change: p.Trp4Ter; replaces tryptophan 4 with a stop codon.
Molecular consequence: nonsense.
Genome position (GRCh38, 1-based): chrX:37,780,089, G>A. VCF-style: chrX-37780089-G-A. GRCh37 (hg19) VCF-style: chrX-37639342-G-A.
Other names: short protein forms W4*.
Identifiers: ClinVar variation 1409925 (VCV001409925.8), dbSNP rs2146801959, ClinGen allele CA412971921.
Genomic context (GRCh38, chrX:37,780,089, plus strand): 5'-AGCATAGTATAGAAGAAAGGCAAACACAACACATTCAACCTCTGCCACCATGGGGAACTG[G>A]GCTGTGAATGAGGGGCTCTCCATTTTTGTCATTGTAAGTACCAACAAGAGATAAGTTATA-3'

ClinVar aggregate classification (germline): Pathogenic (1 of 4 stars; one submission).

Conditions:
Granulomatous disease, chronic, X-linked. Also called: GRANULOMATOUS DISEASE, CHRONIC, X-LINKED, SOMATIC MOSAIC; CYTOCHROME b-NEGATIVE GRANULOMATOUS DISEASE, CHRONIC, X-LINKED. Identifiers: Orphanet 379, MedGen C1844376, MONDO:0010600, OMIM 306400.

Submission:

Labcorp Genetics (formerly Invitae), Labcorp
Classification: Pathogenic for Granulomatous disease, chronic, X-linked. Last evaluated: 2021-05-10. Review status: criteria provided, single submitter. Criteria: Invitae Variant Classification Sherloc (09022015). Collection method: clinical testing. Allele origin: germline.
Comment: For these reasons, this variant has been classified as Pathogenic. This variant has been observed in individual(s) with chronic granulomatous disease (PMID: 9585602). It is also known as 24G>A. This variant is not present in population databases (ExAC no frequency). This sequence change creates a premature translational stop signal (p.Trp4*) in the CYBB gene. It is expected to result in an absent or disrupted protein product. Loss-of-function variants in CYBB are known to be pathogenic (PMID: 9585602, 20729109).

Literature cited by the submitters: PubMed 9585602; PubMed 20729109.